The following is an entry in ClinVar:

ClinVar aggregate classification (germline): Pathogenic. Review status: criteria provided, multiple submitters, no conflicts (2 of 4 stars). 2 submissions from 2 submitters: Pathogenic (2). Last evaluated 2025-11-03.

Conditions:
Hyperlipoproteinemia, type 1D. Also called: Hyperlipoproteinemia, type ID. Identifiers: Orphanet 444490, Orphanet 535458, MedGen C4014767, MONDO:0014412, OMIM 615947.

Allele frequency attached by ClinVar (database versions not stated): gnomAD 0.00001.
gnomAD v4.1: 1 of 1,577,542 alleles (0.000063%); no homozygotes.

Submissions (2):

3billion
Classification: Pathogenic for Hyperlipoproteinemia, type 1D. Last evaluated: 2025-11-03. Review status: criteria provided, single submitter. Criteria: ACMG Guidelines, 2015. Collection method: clinical testing. Allele origin: germline. Affected: yes.
Comment: The variant is observed at an extremely low frequency in the gnomAD v4.1.0 dataset (total allele frequency: <0.001%). Predicted Consequence/Location: Missense variant In silico tool predictions suggest damaging effect of the variant on gene or gene product [REVEL: 0.69 (>=0.6, sensitivity 0.68 and specificity 0.92)]. The same nucleotide change resulting in the same amino acid change has been previously reported as pathogenic/likely pathogenic with strong evidence (ClinVar ID: VCV001687542 /3billion dataset). The variant has been observed in at least two similarly affected unrelated individuals (3billion dataset). Different missense changes at the same codon (p.Cys65Ser, p.Cys65Tyr) have been reported to be associated with GPIHBP1-related disorder (ClinVar ID: VCV000144014, VCV000144020 /PMID: 20026666, 20124439). Therefore, this variant is classified as Pathogenic according to the recommendation of ACMG/AMP guideline.

Genomic Medicine Center of Excellence, King Faisal Specialist Hospital and Research Centre
Classification: Pathogenic for Hyperlipoproteinemia, type 1D. Last evaluated: 2024-03-14. Review status: criteria provided, single submitter. Criteria: ACMG Guidelines, 2015. Collection method: clinical testing. Allele origin: germline.

Literature cited by the submitters: PubMed 20026666 (cited by 3billion).

NM_178172.6(GPIHBP1):c.193T>C (p.Cys65Arg)

Gene: GPIHBP1 (glycosylphosphatidylinositol anchored high density lipoprotein binding protein 1; plus strand). Cytogenetic location: 8q24.3.
Variant type: single nucleotide variant.
Coding change: c.193T>C on transcript NM_178172.6 (MANE Select); coding-DNA position 193, T replaced by C.
Protein change: p.Cys65Arg; replaces cysteine 65 with arginine.
Molecular consequence: missense variant.
Genome position (GRCh38, 1-based): chr8:143,215,024, T>C. VCF-style: chr8-143215024-T-C. GRCh37 (hg19) VCF-style: chr8-144296899-T-C.
Other names: c.193T>C, p.Cys65Arg (NM_001301772.2); short protein forms C65R.
Identifiers: ClinVar variation 1687542 (VCV001687542.4), dbSNP rs1300685456, ClinGen allele CA372401960.